The following is an entry in ClinVar:

ClinVar aggregate classification (germline): Likely benign (1 of 4 stars; one submission).

Conditions:
Familial thoracic aortic aneurysm and aortic dissection (TAAD). Also called: Thoracic aortic aneurysms and dissections. Identifiers: Orphanet 91387, MedGen C4707243, MONDO:0019625.

Submission:

All of Us Research Program, National Institutes of Health
Classification: Likely benign for Familial thoracic aortic aneurysm and aortic dissection. Last evaluated: 2023-11-02. Review status: criteria provided, single submitter. Criteria: ACMG Guidelines, 2015. Collection method: clinical testing. Allele origin: germline. Inheritance: Autosomal dominant inheritance. Observed: 1 variant allele, 1 heterozygote.
Comment: This study involves interpretation of variants in research participants for the purpose of population health screening. Participant phenotype was not available at the time of variant classification. Additional details can be found in publication PMID: 35346344, PMCID: PMC8962531

NM_002474.3(MYH11):c.2358C>T (p.Ile786=)

Gene: MYH11 (myosin heavy chain 11; minus strand). Cytogenetic location: 16p13.11.
Variant type: single nucleotide variant.
Coding change: c.2358C>T on transcript NM_002474.3 (MANE Select); coding-DNA position 2358, C replaced by T.
Protein change: p.Ile786=; no amino-acid change (isoleucine 786 retained).
Molecular consequence: synonymous variant.
Genome position (GRCh38, 1-based): chr16:15,747,623, G>A on the plus strand (C>T on the coding strand, the complement: MYH11 is on the minus strand). VCF-style: chr16-15747623-G-A. GRCh37 (hg19) VCF-style: chr16-15841480-G-A.
Other names: c.2379C>T, p.Ile793= (NM_001040114.2, NM_001040113.2); c.2358C>T, p.Ile786= (NM_022844.3).
Identifiers: ClinVar variation 3074300 (VCV003074300.1), dbSNP rs2041453985, ClinGen allele CA493792088.
Genomic context (GRCh38, chr16:15,747,623, plus strand): 5'-TCTTTACTTTCTGGCCAAGTAGCCACGACACATCGCCTGGAAGGCCATGATGACATCGGT[G>A]ATCTTCAAATCTCGCTCCTCCTCTAGGTGGGCCAGGACGCCAGTTCGGAAGAAGATTTTG-3'
Protein context (NP_002465.1, residues 776-796): AHLEEERDLK[Ile786=]TDVIMAFQAM